The following is an entry in ClinVar:

NM_017777.4(MKS1):c.644+10G>A

Gene: MKS1 (MKS transition zone complex subunit 1; minus strand). Cytogenetic location: 17q22.
Variant type: single nucleotide variant.
Coding change: c.644+10G>A on transcript NM_017777.4 (MANE Select); 10 bases into the intron after coding-DNA position 644, G replaced by A.
Molecular consequence: intron variant.
Genome position (GRCh38, 1-based): chr17:58,214,249, C>T on the plus strand (G>A on the coding strand, the complement: MKS1 is on the minus strand). VCF-style: chr17-58214249-C-T. GRCh37 (hg19) VCF-style: chr17-56291610-C-T.
Other names: c.35+10G>A (NM_001321268.2); c.644+10G>A (NM_001330397.2, NM_001321269.2, NM_017777.3).
Identifiers: ClinVar variation 1112758 (VCV001112758.12), dbSNP rs544053540, ClinGen allele CA8669455.

ClinVar aggregate classification (germline): Likely benign. Review status: criteria provided, multiple submitters, no conflicts (2 of 4 stars). 3 submissions from 3 submitters: Likely benign (2). 1 of the submissions does not count toward it. Last evaluated 2026-01-19.

Conditions:
MKS1-related disorder. Also called: MKS1-related condition; MKS1-related disorders. Identifiers: MedGen CN239382.
Meckel-Gruber syndrome. Also called: DYSENCEPHALIA SPLANCHNOCYSTICA; GRUBER SYNDROME; Dysencephalia splachnocystica. Identifiers: Orphanet 564, MedGen C0265215, MONDO:0018921.
Joubert syndrome. Also called: JOUBERT-BOLTSHAUSER SYNDROME; Familial aplasia of the vermis. Identifiers: Orphanet 475, MedGen C5979921, MONDO:0018772.

Allele frequency attached by ClinVar (database versions not stated): gnomAD 0.00004 and 0.00006; TOPMed 0.00004; gnomAD exomes 0.00005; ExAC 0.00006; 1000 Genomes Project 0.00020; 1000 Genomes Project 30x 0.00031.
gnomAD v4.1: 55 of 1,614,122 alleles (0.0034%); highest among the groups gnomAD compares: East Asian, 0.049%; no homozygotes.

Submissions (3):

Labcorp Genetics (formerly Invitae), Labcorp
Classification: Likely benign for Joubert syndrome; Meckel-Gruber syndrome. Last evaluated: 2026-01-19. Review status: criteria provided, single submitter. Criteria: Invitae Variant Classification Sherloc (09022015). Collection method: clinical testing. Allele origin: germline.

Blueprint Genetics
Classification: Likely benign. Last evaluated: 2022-03-22. Review status: criteria provided, single submitter. Criteria: ACMG Guidelines, 2015. Collection method: clinical testing. Allele origin: germline.

PreventionGenetics, part of Exact Sciences
Classification: Likely benign for MKS1-related condition. Last evaluated: 2019-06-21. Review status: no assertion criteria provided. Collection method: clinical testing. Allele origin: germline. Not counted in ClinVar's aggregate classification.
Comment: This variant is classified as likely benign based on ACMG/AMP sequence variant interpretation guidelines (Richards et al. 2015 PMID: 25741868, with internal and published modifications).